The following is an entry in ClinVar:

ClinVar aggregate classification (germline): Pathogenic/Likely pathogenic. Review status: criteria provided, multiple submitters, no conflicts (2 of 4 stars). 10 submissions from 10 submitters: Pathogenic (8); Likely pathogenic (1). 1 of the submissions does not count toward it. Last evaluated 2025-11-18.

Conditions:
FZD4-related disorder. Also called: FZD4-related condition.
Retinal dystrophy. Also called: Inherited retinal dystrophy. Identifiers: Orphanet 71862, MedGen C0854723, MeSH D058499, MONDO:0019118, HP:0000556.
Exudative vitreoretinopathy 1 (EVR1). Also called: CRISWICK-SCHEPENS SYNDROME; FEVR, AUTOSOMAL DOMINANT; Familial exudative vitreoretinopathy, autosomal dominant. Identifiers: Orphanet 891, Orphanet 90050, MedGen C1851402, MONDO:0007589, OMIM 133780.
Familial exudative vitreoretinopathy. Identifiers: Orphanet 891, MedGen C0339539, MeSH D000080345, MONDO:0019516.
Coats disease. Also called: RETINAL TELANGIECTASIS; NDP-Related Coats Disease. Identifiers: Orphanet 190, MedGen C5964756, MONDO:0010269, OMIM 300216.

Submissions (10):

Labcorp Genetics (formerly Invitae), Labcorp
Classification: Pathogenic. Last evaluated: 2025-11-18. Review status: criteria provided, single submitter. Criteria: Invitae Variant Classification Sherloc (09022015). Collection method: clinical testing. Allele origin: germline.
Comment: This sequence change creates a premature translational stop signal (p.Asp428Serfs*2) in the FZD4 gene. While this is not anticipated to result in nonsense mediated decay, it is expected to disrupt the last 110 amino acid(s) of the FZD4 protein. This variant is present in population databases (rs80358295, gnomAD 0.008%). This premature translational stop signal has been observed in individual(s) with familial exudative vitreoretinopathy (PMID: 20340138, 28494495, 30452590). In at least one individual the variant was observed to be de novo. ClinVar contains an entry for this variant (Variation ID: 224625). For these reasons, this variant has been classified as Pathogenic.

Blueprint Genetics
Classification: Pathogenic for FZD4-related disorders. Last evaluated: 2024-10-07. Review status: criteria provided, single submitter. Criteria: ACMG Guidelines, 2015. Collection method: clinical testing. Allele origin: germline. Affected: yes. Observed: 5 variant alleles.

Greenwood Genetic Center Diagnostic Laboratories, Greenwood Genetic Center
Classification: Pathogenic for Exudative vitreoretinopathy 1. Last evaluated: 2024-05-08. Review status: criteria provided, single submitter. Criteria: ACMG Guidelines, 2015. Collection method: clinical testing. Allele origin: germline. Affected: yes.
Comment: PVS1, PS2, PM6

Clinical Genetics Laboratory, Skane University Hospital Lund
Classification: Pathogenic. Last evaluated: 2024-03-08. Review status: criteria provided, single submitter. Criteria: ACMG Guidelines, 2015. Collection method: clinical testing. Allele origin: germline. Affected: yes.

Revvity Omics, Revvity
Classification: Pathogenic for Exudative vitreoretinopathy 1. Last evaluated: 2022-09-28. Review status: criteria provided, single submitter. Criteria: ACMG Guidelines, 2015. Collection method: clinical testing. Allele origin: germline.

GeneDx
Classification: Pathogenic. Last evaluated: 2022-08-12. Review status: criteria provided, single submitter. Criteria: GeneDx Variant Classification Process June 2021. Collection method: clinical testing. Allele origin: germline. Affected: yes.
Comment: Frameshift variant in the C-terminus predicted to result in protein truncation, as the last 110 amino acids are lost and replaced with one incorrect amino acid; This variant is associated with the following publications: (PMID: 20340138, 28494495, 30097784, 31827910, 31987760, 31299183, 33090715, 32238352, 33302760, 30452590)

3billion
Classification: Likely pathogenic for Exudative vitreoretinopathy 1. Last evaluated: 2022-05-22. Review status: criteria provided, single submitter. Criteria: ACMG Guidelines, 2015. Collection method: clinical testing. Allele origin: germline. Affected: yes. Observed: 1 heterozygote.
Comment: The variant is observed at an extremely low frequency in the gnomAD v2.1.1 dataset (total allele frequency: 0.001%). Frameshift: predicted to result in a loss or disruption of normal protein function through protein truncation. The predicted truncated protein may be shortened by more than 10%. The variant has been reported to be associated with FZD4 related disorder (ClinVar ID: VCV000224625 / PMID: 20340138). Therefore, this variant is classified as likely pathogenic according to the recommendation of ACMG/AMP guideline.

Institute of Human Genetics, Univ. Regensburg, Univ. Regensburg
Classification: Pathogenic for Retinal dystrophy. Last evaluated: 2017-01-01. Review status: criteria provided, single submitter. Criteria: ACMG Guidelines, 2015. Collection method: clinical testing. Allele origin: germline. Affected: yes.

Juno Genomics, Hangzhou Juno Genomics, Inc
Classification: Pathogenic for Exudative vitreoretinopathy 1. Review status: criteria provided, single submitter. Criteria: ACMG Guidelines, 2015. Collection method: clinical testing. Allele origin: germline.
Comment: Absent from controls (or at extremely low frequency if recessive) in Genome Aggregation Database.;Null variant in a gene where loss of function (LOF) is a known mechanism of disease.;The prevalence of the variant in affected individuals is significantly increased compared to the prevalence in controls.;Assumed de novo, but without confirmation of paternity and maternity.

Laboratory of Human Molecular Genetics, Department of Medical Research, Taipei Veterans General Hospital
Classification: Pathogenic for Exudative retinopathy; Familial exudative vitreoretinopathy. Review status: no assertion criteria provided. Collection method: research. Allele origin: germline. Affected: yes. Observed: 10 variant alleles. Not counted in ClinVar's aggregate classification.

Literature cited by the submitters: PubMed 20340138 (cited by 3 submitters); PubMed 28494495 (cited by Labcorp Genetics (formerly Invitae), Labcorp and Institute of Human Genetics, Univ. Regensburg, Univ. Regensburg); PubMed 30452590 (cited by Labcorp Genetics (formerly Invitae), Labcorp and Institute of Human Genetics, Univ. Regensburg, Univ. Regensburg); PubMed 30097784 (cited by Institute of Human Genetics, Univ. Regensburg, Univ. Regensburg); PubMed 31987760 (cited by Institute of Human Genetics, Univ. Regensburg, Univ. Regensburg); PubMed 33090715 (cited by Institute of Human Genetics, Univ. Regensburg, Univ. Regensburg); PubMed 31816670 (cited by Institute of Human Genetics, Univ. Regensburg, Univ. Regensburg); PubMed 33302760 (cited by Institute of Human Genetics, Univ. Regensburg, Univ. Regensburg); PubMed 34860240 (cited by Institute of Human Genetics, Univ. Regensburg, Univ. Regensburg); PubMed 32238352 (cited by Institute of Human Genetics, Univ. Regensburg, Univ. Regensburg); PubMed 35394490 (cited by Institute of Human Genetics, Univ. Regensburg, Univ. Regensburg); PubMed 35312124 (cited by Institute of Human Genetics, Univ. Regensburg, Univ. Regensburg); PubMed 35876299 (cited by Institute of Human Genetics, Univ. Regensburg, Univ. Regensburg); PubMed 26908610 (cited by Laboratory of Human Molecular Genetics, Department of Medical Research, Taipei Veterans General Hospital).

NM_012193.4(FZD4):c.1282_1285del (p.Asp428fs)

Genes: FZD4 (frizzled class receptor 4; minus strand), PRSS23 (serine protease 23; plus strand). Cytogenetic location: 11q14.2.
Variant type: Microsatellite.
Coding change: c.1282_1285del on transcript NM_012193.4 (MANE Select); coding-DNA positions 1282 to 1285, 4 bases deleted (GACA; older notation c.1282_1285delGACA).
Protein change: p.Asp428fs; shifts the reading frame from aspartic acid 428.
Molecular consequence: frameshift variant. On other transcripts: non-coding transcript variant (2).
Genome position (GRCh38, 1-based): chr11:86,951,471-86,951,474, TGTC deleted on the plus strand (GACA on the coding strand, the reverse complement: FZD4 is on the minus strand); deleting any 4 consecutive bases within chr11:86,951,471-86,951,479 gives the same sequence; the c. name uses the placement nearest the transcript's 3' end. VCF-style (leftmost placement, unchanged base first): chr11-86951470-TTGTC-T. GRCh37 (hg19) VCF-style: chr11-86662512-TTGTC-T.
Other names: c.1282_1285delGACA (NM_012193.3); short protein forms D428fs.
Identifiers: ClinVar variation 224625 (VCV000224625.19), dbSNP rs80358295, ClinGen allele CA351356.